The following is an entry in ClinVar:

NM_001035.3(RYR2):c.10520A>T (p.Asp3507Val)

Gene: RYR2 (ryanodine receptor 2; plus strand). Cytogenetic location: 1q43.
Variant type: single nucleotide variant.
Coding change: c.10520A>T on transcript NM_001035.3 (MANE Select); coding-DNA position 10520, A replaced by T.
Protein change: p.Asp3507Val; replaces aspartic acid 3507 with valine.
Molecular consequence: missense variant.
Genome position (GRCh38, 1-based): chr1:237,718,487, A>T. VCF-style: chr1-237718487-A-T. GRCh37 (hg19) VCF-style: chr1-237881787-A-T.
Other names: short protein forms D3507V.
Identifiers: ClinVar variation 4807979 (VCV004807979.1).
Genomic context (GRCh38, chr1:237,718,487, plus strand): 5'-AAGACTCCTTTTAGGTAACATATATTTCTTGACAGAAAGATACCGAGGATGAAGTACGAG[A>T]TATAATCCGCAGCAATATTCATTTACAAGGCAAGGTAAGCCAAATTTTATTCTTAAGCCA-3'
Protein context (NP_001026.2, residues 3497-3517): SLKDTEDEVR[Asp3507Val]IIRSNIHLQG

ClinVar aggregate classification (germline): Uncertain significance (1 of 4 stars; one submission).

Conditions:
Catecholaminergic polymorphic ventricular tachycardia 1. Also called: VENTRICULAR TACHYCARDIA, STRESS-INDUCED POLYMORPHIC 1; VENTRICULAR TACHYCARDIA, CATECHOLAMINERGIC POLYMORPHIC, 1, WITH OR WITHOUT ATRIAL DYSFUNCTION AND/OR DILATED CARDIOMYOPATHY; RYR2-Related Catecholaminergic Polymorphic Ventricular Tachycardia. Identifiers: Orphanet 3286, MedGen C1631597, MONDO:0011484, OMIM 604772.

gnomAD v4.1: 1 of 1,596,974 alleles (0.000063%); highest among the groups gnomAD compares: Non-Finnish European, 0.000086%; no homozygotes.

Submission:

Labcorp Genetics (formerly Invitae), Labcorp
Classification: Uncertain significance for Catecholaminergic polymorphic ventricular tachycardia 1. Last evaluated: 2025-10-13. Review status: criteria provided, single submitter. Criteria: Invitae Variant Classification Sherloc (09022015). Collection method: clinical testing. Allele origin: germline.
Comment: This sequence change replaces aspartic acid, which is acidic and polar, with valine, which is neutral and non-polar, at codon 3507 of the RYR2 protein (p.Asp3507Val). This variant is not present in population databases (gnomAD no frequency). This variant has not been reported in the literature in individuals affected with RYR2-related conditions. Invitae Evidence Modeling of protein sequence and biophysical properties (such as structural, functional, and spatial information, amino acid conservation, physicochemical variation, residue mobility, and thermodynamic stability) has been performed for this missense variant. However, the output from this modeling did not meet the statistical confidence thresholds required to predict the impact of this variant on RYR2 protein function. In summary, the available evidence is currently insufficient to determine the role of this variant in disease. Therefore, it has been classified as a Variant of Uncertain Significance.